The following is an entry in ClinVar:

NM_000127.3(EXT1):c.640_650del (p.Ala214fs)

Gene: EXT1 (exostosin glycosyltransferase 1; minus strand). Cytogenetic location: 8q24.11.
Variant type: Deletion.
Coding change: c.640_650del on transcript NM_000127.3 (MANE Select); coding-DNA positions 640 to 650, 11 bases deleted (GCGATGCTGGC).
Protein change: p.Ala214fs; shifts the reading frame from alanine 214.
Molecular consequence: frameshift variant.
Genome position (GRCh38, 1-based): chr8:118,110,397-118,110,407, GCCAGCATCGC deleted on the plus strand (GCGATGCTGGC on the coding strand, the reverse complement: EXT1 is on the minus strand). VCF-style (leftmost placement, unchanged base first): chr8-118110396-GGCCAGCATCGC-G. GRCh37 (hg19) VCF-style: chr8-119122635-GGCCAGCATCGC-G.
Other names: c.640_650del11 (NM_000127.2); short protein forms A214fs.
Identifiers: ClinVar variation 3345995 (VCV003345995.1).

ClinVar aggregate classification (germline): Likely pathogenic (0 of 4 stars; one submission).

Conditions:
EXT1-related disorder. Also called: EXT1-related condition.

Submission:

PreventionGenetics, part of Exact Sciences
Classification: Likely pathogenic for EXT1-related condition. Last evaluated: 2024-08-06. Review status: no assertion criteria provided. Collection method: clinical testing. Allele origin: germline.
Comment: The EXT1 c.640_650del11 variant is predicted to result in a frameshift and premature protein termination (p.Ala214Glnfs*7). To our knowledge, this variant has not been reported in the literature or in a large population database, indicating this variant is rare. Frameshift variants in EXT1 are expected to be pathogenic. This variant is interpreted as likely pathogenic.